The following is an entry in ClinVar:

ClinVar aggregate classification (germline): Pathogenic/Likely pathogenic. Review status: criteria provided, multiple submitters, no conflicts (2 of 4 stars). 3 submissions from 3 submitters: Pathogenic (2); Likely pathogenic (1). Last evaluated 2025-11-25.

Conditions:
Hereditary cancer-predisposing syndrome. Also called: Neoplastic Syndromes, Hereditary; Tumor predisposition; Hereditary Cancer Syndrome; Hereditary neoplastic syndrome. Identifiers: Orphanet 140162, MedGen C0027672, MeSH D009386, MONDO:0015356.
Lynch syndrome 5 (LYNCH5). Also called: Colorectal cancer, hereditary nonpolyposis, type 5; Hereditary non-polyposis colorectal cancer, type 5. Identifiers: Orphanet 144, MedGen C1833477, MONDO:0013710, OMIM 614350. Disease mechanism: loss of function.

Submissions (3):

Ambry Genetics
Classification: Pathogenic for Hereditary cancer-predisposing syndrome. Last evaluated: 2025-11-25. Review status: criteria provided, single submitter. Criteria: Ambry Variant Classification Scheme 2023. Collection method: clinical testing. Allele origin: germline.
Comment: The p.Y436* pathogenic mutation (also known as c.1308C>A), located in coding exon 4 of the MSH6 gene, results from a C to A substitution at nucleotide position 1308. This changes the amino acid from a tyrosine to a stop codon within coding exon 4. This variant is considered to be rare based on population cohorts in the Genome Aggregation Database (gnomAD). This alteration is expected to result in loss of function by premature protein truncation or nonsense-mediated mRNA decay. As such, this alteration is interpreted as a disease-causing mutation.

Quest Diagnostics Nichols Institute San Juan Capistrano
Classification: Likely pathogenic. Last evaluated: 2025-03-17. Review status: criteria provided, single submitter. Criteria: Quest Diagnostics criteria. Collection method: clinical testing. Allele origin: unknown.
Comment: The MSH6 c.1308C>A (p.Tyr436*) variant is predicted to cause the premature termination of MSH6 protein synthesis. This variant has not been reported in individuals with MSH6-related conditions in the published literature. This variant has not been reported in large, multi-ethnic general populations (Genome Aggregation Database). Based on the available information, this variant is classified as likely pathogenic.

Myriad Genetics, Inc.
Classification: Pathogenic for Lynch syndrome 5. Last evaluated: 2023-08-11. Review status: criteria provided, single submitter. Criteria: Myriad Autosomal Dominant, Autosomal Recessive and X-Linked Classification Criteria (2023). Collection method: clinical testing. Allele origin: unknown.
Comment: This variant is considered pathogenic. This variant creates a termination codon and is predicted to result in premature protein truncation.

NM_000179.3(MSH6):c.1308C>A (p.Tyr436Ter)

Gene: MSH6 (mutS homolog 6; plus strand). Cytogenetic location: 2p16.3.
Variant type: single nucleotide variant.
Coding change: c.1308C>A on transcript NM_000179.3 (MANE Select); coding-DNA position 1308, C replaced by A.
Protein change: p.Tyr436Ter; replaces tyrosine 436 with a stop codon.
Molecular consequence: nonsense.
Genome position (GRCh38, 1-based): chr2:47,799,291, C>A. VCF-style: chr2-47799291-C-A. GRCh37 (hg19) VCF-style: chr2-48026430-C-A.
Other names: c.918C>A, p.Tyr306Ter (NM_001281492.2); c.402C>A, p.Tyr134Ter (NM_001281493.2, NM_001281494.2); short protein forms Y436*, Y134*, Y306*.
Identifiers: ClinVar variation 483833 (VCV000483833.8), dbSNP rs761037236, ClinGen allele CA346744333.